The following is an entry in ClinVar:

NM_001386140.1(MTTP):c.820G>C (p.Ala274Pro)

Gene: MTTP (microsomal triglyceride transfer protein; plus strand). Cytogenetic location: 4q23.
Variant type: single nucleotide variant.
Coding change: c.820G>C on transcript NM_001386140.1 (MANE Select); coding-DNA position 820, G replaced by C.
Protein change: p.Ala274Pro; replaces alanine 274 with proline.
Molecular consequence: missense variant.
Genome position (GRCh38, 1-based): chr4:99,594,794, G>C. VCF-style: chr4-99594794-G-C. GRCh37 (hg19) VCF-style: chr4-100515951-G-C.
Other names: c.820G>C, p.Ala274Pro (NM_000253.4); c.571G>C, p.Ala191Pro (NM_001300785.2); short protein forms A274P, A191P.
Identifiers: ClinVar variation 2158937 (VCV002158937.1), dbSNP rs746939133, ClinGen allele CA3021956.

ClinVar aggregate classification (germline): Uncertain significance (1 of 4 stars; one submission).

Submission:

Labcorp Genetics (formerly Invitae), Labcorp
Classification: Uncertain significance. Last evaluated: 2022-05-14. Review status: criteria provided, single submitter. Criteria: Invitae Variant Classification Sherloc (09022015). Collection method: clinical testing. Allele origin: germline.
Comment: This sequence change replaces alanine, which is neutral and non-polar, with proline, which is neutral and non-polar, at codon 274 of the MTTP protein (p.Ala274Pro). The frequency data for this variant in the population databases is considered unreliable, as metrics indicate poor data quality at this position in the gnomAD database. This variant has not been reported in the literature in individuals affected with MTTP-related conditions. Algorithms developed to predict the effect of missense changes on protein structure and function are either unavailable or do not agree on the potential impact of this missense change (SIFT: "Tolerated"; PolyPhen-2: "Possibly Damaging"; Align-GVGD: "Class C0"). In summary, the available evidence is currently insufficient to determine the role of this variant in disease. Therefore, it has been classified as a Variant of Uncertain Significance.